The following is an entry in ClinVar:

ClinVar aggregate classification (germline): Uncertain significance (1 of 4 stars; one submission).

Conditions:
Glycogen storage disease type X (GSD10). Also called: GSD X; MYOPATHY DUE TO PHOSPHOGLYCERATE MUTASE DEFICIENCY; PGAMM DEFICIENCY; PHOSPHOGLYCERATE MUTASE, MUSCLE, DEFICIENCY OF; Dimauro disease; Glycogen storage disease due to phosphoglycerate mutase deficiency. Identifiers: Orphanet 97234, MedGen C0268149, MONDO:0009865, OMIM 261670.

Submission:

Labcorp Genetics (formerly Invitae), Labcorp
Classification: Uncertain significance for Glycogen storage disease type X. Last evaluated: 2023-09-05. Review status: criteria provided, single submitter. Criteria: Invitae Variant Classification Sherloc (09022015). Collection method: clinical testing. Allele origin: germline.
Comment: This sequence change replaces glycine, which is neutral and non-polar, with arginine, which is basic and polar, at codon 148 of the PGAM2 protein (p.Gly148Arg). This variant is not present in population databases (gnomAD no frequency). This variant has not been reported in the literature in individuals affected with PGAM2-related conditions. An algorithm developed to predict the effect of missense changes on protein structure and function (PolyPhen-2) suggests that this variant is likely to be tolerated. In summary, the available evidence is currently insufficient to determine the role of this variant in disease. Therefore, it has been classified as a Variant of Uncertain Significance.

NM_000290.4(PGAM2):c.442G>C (p.Gly148Arg)

Genes: DBNL (drebrin like; plus strand), PGAM2 (phosphoglycerate mutase 2; minus strand). Cytogenetic location: 7p13.
Variant type: single nucleotide variant.
Coding change: c.442G>C on transcript NM_000290.4 (MANE Select); coding-DNA position 442, G replaced by C.
Protein change: p.Gly148Arg; replaces glycine 148 with arginine.
Molecular consequence: missense variant. On other transcripts: 3 prime UTR variant (6).
Genome position (GRCh38, 1-based): chr7:44,064,985, C>G on the plus strand (G>C on the coding strand, the complement: PGAM2 is on the minus strand). VCF-style: chr7-44064985-C-G. GRCh37 (hg19) VCF-style: chr7-44104584-C-G.
Other names: c.*4069C>G (NM_001014436.3, NM_001122956.2, NM_001284313.2 and 3 more transcripts); short protein forms G148R.
Identifiers: ClinVar variation 2755621 (VCV002755621.3), dbSNP rs117048953, ClinGen allele CA367367678.
Genomic context (GRCh38, chr7:44,064,985, plus strand): 5'-TCCAGAAGGGCAGGGCCCGGGCAATGGTGTCCTTGAGGCTCTCGCAGGTGGGGAGTTCCC[C>G]GGGCTTCAGGCCTGCGTACCGACGCTCCTGGGGGACACAGGCACGCTGCTTTCCCTCCCA-3'
Protein context (NP_000281.2, residues 138-158): KERRYAGLKP[Gly148Arg]ELPTCESLKD